The following is an entry in ClinVar:

NM_013386.5(SLC25A24):c.823-10G>T

Gene: SLC25A24 (solute carrier family 25 member 24; minus strand). Cytogenetic location: 1p13.3.
Variant type: single nucleotide variant.
Coding change: c.823-10G>T on transcript NM_013386.5 (MANE Select); 10 bases into the intron before coding-DNA position 823, G replaced by T.
Molecular consequence: intron variant.
Genome position (GRCh38, 1-based): chr1:108,148,396, C>A on the plus strand (G>T on the coding strand, the complement: SLC25A24 is on the minus strand). VCF-style: chr1-108148396-C-A. GRCh37 (hg19) VCF-style: chr1-108691018-C-A.
Other names: c.766-10G>T (NM_213651.3); c.823-10G>T (NM_013386.4).
Identifiers: ClinVar variation 2717480 (VCV002717480.5), dbSNP rs202000976, ClinGen allele CA979182.

ClinVar aggregate classification (germline): Benign. Review status: criteria provided, single submitter (1 of 4 stars). 2 submissions from 2 submitters: Benign (1). 1 of the submissions does not count toward it. Last evaluated 2026-01-17.

Conditions:
SLC25A24-related disorder. Also called: SLC25A24-related condition.

Allele frequency attached by ClinVar (database versions not stated): ExAC 0.00012; 1000 Genomes Project 30x 0.00047; ESP Exome Variant Server 0.00054; gnomAD 0.00054; 1000 Genomes Project 0.00060.
gnomAD v4.1: 142 of 1,520,010 alleles (0.0093%); highest among the groups gnomAD compares: African/African-American, 0.17%; 1 homozygote.

Submissions (2):

Labcorp Genetics (formerly Invitae), Labcorp
Classification: Benign. Last evaluated: 2026-01-17. Review status: criteria provided, single submitter. Criteria: Invitae Variant Classification Sherloc (09022015). Collection method: clinical testing. Allele origin: germline.

PreventionGenetics, part of Exact Sciences
Classification: Likely benign for SLC25A24-related condition. Last evaluated: 2024-07-02. Review status: no assertion criteria provided. Collection method: clinical testing. Allele origin: germline. Not counted in ClinVar's aggregate classification.
Comment: This variant is classified as likely benign based on ACMG/AMP sequence variant interpretation guidelines (Richards et al. 2015 PMID: 25741868, with internal and published modifications).